The following is an entry in ClinVar:

NM_052854.4(CREB3L1):c.1230C>T (p.Ala410=)

Gene: CREB3L1 (cAMP responsive element binding protein 3 like 1; plus strand). Cytogenetic location: 11p11.2.
Variant type: single nucleotide variant.
Coding change: c.1230C>T on transcript NM_052854.4 (MANE Select); coding-DNA position 1230, C replaced by T.
Protein change: p.Ala410=; no amino-acid change (alanine 410 retained).
Molecular consequence: synonymous variant.
Genome position (GRCh38, 1-based): chr11:46,317,459, C>T. VCF-style: chr11-46317459-C-T. GRCh37 (hg19) VCF-style: chr11-46339010-C-T.
Identifiers: ClinVar variation 1629766 (VCV001629766.39), dbSNP rs573320584, ClinGen allele CA5961819.

ClinVar aggregate classification (germline): Benign/Likely benign. Review status: criteria provided, multiple submitters, no conflicts (2 of 4 stars). 2 submissions from 2 submitters: Benign (1); Likely benign (1). Last evaluated 2025-05-05.

Allele frequency attached by ClinVar (database versions not stated): gnomAD 0.00006 and 0.00007; gnomAD exomes 0.00007 and 0.00041; TOPMed 0.00016; 1000 Genomes Project 0.00020; 1000 Genomes Project 30x 0.00031; ExAC 0.00033.
gnomAD v4.1: 113 of 1,612,068 alleles (0.007%); highest among the groups gnomAD compares: Admixed American, 0.16%; no homozygotes.

Submissions (2):

Labcorp Genetics (formerly Invitae), Labcorp
Classification: Benign. Last evaluated: 2025-05-05. Review status: criteria provided, single submitter. Criteria: Invitae Variant Classification Sherloc (09022015). Collection method: clinical testing. Allele origin: germline.

CeGaT Center for Human Genetics Tuebingen
Classification: Likely benign. Last evaluated: 2022-05-01. Review status: criteria provided, single submitter. Criteria: CeGaT Center For Human Genetics Tuebingen Variant Classification Criteria Version 2. Collection method: clinical testing. Allele origin: germline. Affected: yes. Observed: 1 variant allele.
Comment: CREB3L1: BP4, BP7